The following is an entry in ClinVar:

ClinVar aggregate classification (germline): Uncertain significance. Review status: criteria provided, multiple submitters, no conflicts (2 of 4 stars). 3 submissions from 3 submitters: Uncertain significance (3). Last evaluated 2024-05-14.

Conditions:
Cranioectodermal dysplasia 1 (CED1). Also called: LEVIN SYNDROME I. Identifiers: Orphanet 1515, MedGen C0432235, MONDO:0021093, OMIM 218330.

Allele frequency attached by ClinVar (database versions not stated): TOPMed below 0.00001; ExAC 0.00001.

Submissions (3):

Fulgent Genetics
Classification: Uncertain significance for Cranioectodermal dysplasia 1. Last evaluated: 2024-05-14. Review status: criteria provided, single submitter. Criteria: ACMG Guidelines, 2015. Collection method: clinical testing. Allele origin: germline.

Revvity Omics, Revvity
Classification: Uncertain significance for Cranioectodermal dysplasia 1. Last evaluated: 2020-12-15. Review status: criteria provided, single submitter. Criteria: ACMG Guidelines, 2015. Collection method: clinical testing. Allele origin: germline.

Neuberg Centre For Genomic Medicine, NCGM
Classification: Uncertain significance for Cranioectodermal dysplasia 1. Review status: criteria provided, single submitter. Criteria: ACMG Guidelines, 2015. Collection method: clinical testing. Allele origin: germline. Inheritance: Autosomal recessive inheritance. Affected: yes.
Comment: The missense variant c.94G>A (p.Gly32Arg) in the IFT122 gene has not been reported previously as a pathogenic variant nor as a benign variant, to our knowledge. This variant is absent in the gnomAD Exomes. This variant has been reported to the ClinVar database as Uncertain Significance. However, no details are available for independent assessment. The amino acid Gly at position 32 is changed to a Arg changing protein sequence and it might alter its composition and physico-chemical properties. Multiple lines of computational evidence (Polyphen - Damaging, SIFT - Damaging and MutationTaster - Disease causing) predict a damaging effect on protein structure and function for this variant. The amino acid change p.Gly32Arg in IFT122 is predicted as conserved by GERP++ and PhyloP across 100 vertebrates. For these reasons, this variant has been classified as Uncertain Significance.

NM_052989.3(IFT122):c.94G>A (p.Gly32Arg)

Gene: IFT122 (intraflagellar transport 122; plus strand). Cytogenetic location: 3q21.3.
Variant type: single nucleotide variant.
Coding change: c.94G>A on transcript NM_052989.3 (MANE Select); coding-DNA position 94, G replaced by A.
Protein change: p.Gly32Arg; replaces glycine 32 with arginine.
Molecular consequence: missense variant. On other transcripts: 5 prime UTR variant (2).
Genome position (GRCh38, 1-based): chr3:129,449,923, G>A. VCF-style: chr3-129449923-G-A. GRCh37 (hg19) VCF-style: chr3-129168766-G-A.
Other names: c.94G>A, p.Gly32Arg (NM_001280541.2, NM_001410808.1, NM_001410809.1 and 8 more transcripts); c.-508G>A (NM_001280545.2); c.-278G>A (NM_001280546.2); short protein forms G32R.
Identifiers: ClinVar variation 2432805 (VCV002432805.5), dbSNP rs745762753, ClinGen allele CA2605688.